The following is an entry in ClinVar:

NM_004172.5(SLC1A3):c.1408G>A (p.Ala470Thr)

Genes: SLC1A3 (solute carrier family 1 member 3; plus strand), SLC1A3-AS1 (SLC1A3 antisense RNA 1; minus strand). Cytogenetic location: 5p13.2.
Variant type: single nucleotide variant.
Coding change: c.1408G>A on transcript NM_004172.5 (MANE Select); coding-DNA position 1408, G replaced by A.
Protein change: p.Ala470Thr; replaces alanine 470 with threonine.
Molecular consequence: missense variant. On other transcripts: intron variant (1).
Genome position (GRCh38, 1-based): chr5:36,683,982, G>A. VCF-style: chr5-36683982-G-A. GRCh37 (hg19) VCF-style: chr5-36684084-G-A.
Other names: c.1270G>A, p.Ala424Thr (NM_001289939.2); c.1072G>A, p.Ala358Thr (NM_001289940.2); c.1290-2083G>A (NM_001166695.3); short protein forms A470T, A358T, A424T.
Identifiers: ClinVar variation 586617 (VCV000586617.7), dbSNP rs750317354, ClinGen allele CA3235667.

ClinVar aggregate classification (germline): Uncertain significance. Review status: criteria provided, multiple submitters, no conflicts (2 of 4 stars). 3 submissions from 3 submitters: Uncertain significance (3). Last evaluated 2022-09-15.

Conditions:
Inborn genetic diseases. Identifiers: MedGen C0950123, MeSH D030342.

Allele frequency attached by ClinVar (database versions not stated): ExAC 0.00001; gnomAD exomes 0.00001 and 0.00002; TOPMed 0.00001.
gnomAD v4.1: 17 of 1,614,152 alleles (0.0011%); highest among the groups gnomAD compares: Middle Eastern, 0.016%; no homozygotes.

Submissions (3):

Ambry Genetics
Classification: Uncertain significance for Inborn genetic diseases. Last evaluated: 2022-09-15. Review status: criteria provided, single submitter. Criteria: Ambry Variant Classification Scheme 2023. Collection method: clinical testing. Allele origin: germline.

Labcorp Genetics (formerly Invitae), Labcorp
Classification: Uncertain significance. Last evaluated: 2022-07-21. Review status: criteria provided, single submitter. Criteria: Invitae Variant Classification Sherloc (09022015). Collection method: clinical testing. Allele origin: germline.
Comment: ClinVar contains an entry for this variant (Variation ID: 586617). Algorithms developed to predict the effect of missense changes on protein structure and function are either unavailable or do not agree on the potential impact of this missense change (SIFT: "Deleterious"; PolyPhen-2: "Probably Damaging"; Align-GVGD: "Class C0"). In summary, the available evidence is currently insufficient to determine the role of this variant in disease. Therefore, it has been classified as a Variant of Uncertain Significance. This variant has not been reported in the literature in individuals affected with SLC1A3-related conditions. This sequence change replaces alanine, which is neutral and non-polar, with threonine, which is neutral and polar, at codon 470 of the SLC1A3 protein (p.Ala470Thr). This variant is present in population databases (rs750317354, gnomAD 0.006%).

Athena Diagnostics
Classification: Uncertain significance. Last evaluated: 2018-01-31. Review status: criteria provided, single submitter. Criteria: Athena Diagnostics Criteria. Collection method: clinical testing. Allele origin: germline.